The following is an entry in ClinVar:

ClinVar aggregate classification (germline): Uncertain significance. Review status: criteria provided, multiple submitters, no conflicts (2 of 4 stars). 2 submissions from 2 submitters: Uncertain significance (2). Last evaluated 2025-08-18.

Conditions:
KMT2E-related disorder. Also called: KMT2E-related condition.

Allele frequency attached by ClinVar (database versions not stated): gnomAD exomes below 0.00001.
gnomAD v4.1: 4 of 1,603,332 alleles (0.00025%); highest among the groups gnomAD compares: Non-Finnish European, 0.00017%; no homozygotes.

Submissions (2):

Labcorp Genetics (formerly Invitae), Labcorp
Classification: Uncertain significance. Last evaluated: 2025-08-18. Review status: criteria provided, single submitter. Criteria: Invitae Variant Classification Sherloc (09022015). Collection method: clinical testing. Allele origin: germline.
Comment: This sequence change replaces glutamic acid, which is acidic and polar, with lysine, which is basic and polar, at codon 182 of the KMT2E protein (p.Glu182Lys). This variant is not present in population databases (gnomAD no frequency). This variant has not been reported in the literature in individuals affected with KMT2E-related conditions. ClinVar contains an entry for this variant (Variation ID: 2634034). Invitae Evidence Modeling of protein sequence and biophysical properties (such as structural, functional, and spatial information, amino acid conservation, physicochemical variation, residue mobility, and thermodynamic stability) indicates that this missense variant is not expected to disrupt KMT2E protein function with a negative predictive value of 80%. In summary, the available evidence is currently insufficient to determine the role of this variant in disease. Therefore, it has been classified as a Variant of Uncertain Significance.

PreventionGenetics, part of Exact Sciences
Classification: Uncertain significance for KMT2E-related condition. Last evaluated: 2023-05-17. Review status: criteria provided, single submitter. Criteria: ACMG Guidelines, 2015. Collection method: clinical testing. Allele origin: germline.
Comment: The KMT2E c.544G>A variant is predicted to result in the amino acid substitution p.Glu182Lys. To our knowledge, this variant has not been reported in the literature or in a large population database, indicating this variant is rare. At this time, the clinical significance of this variant is uncertain due to the absence of conclusive functional and genetic evidence.

NM_182931.3(KMT2E):c.544G>A (p.Glu182Lys)

Gene: KMT2E (lysine methyltransferase 2E (inactive); plus strand). Cytogenetic location: 7q22.3.
Variant type: single nucleotide variant.
Coding change: c.544G>A on transcript NM_182931.3 (MANE Select); coding-DNA position 544, G replaced by A.
Protein change: p.Glu182Lys; replaces glutamic acid 182 with lysine.
Molecular consequence: missense variant.
Genome position (GRCh38, 1-based): chr7:105,073,665, G>A. VCF-style: chr7-105073665-G-A. GRCh37 (hg19) VCF-style: chr7-104714112-G-A.
Other names: c.544G>A, p.Glu182Lys (NM_001410908.1, NM_018682.4); short protein forms E182K.
Identifiers: ClinVar variation 2634034 (VCV002634034.2), dbSNP rs2536417194, ClinGen allele CA368775700.
Genomic context (GRCh38, chr7:105,073,665, plus strand): 5'-ATTTTTTAATGTAGGAATTTGGATAAAGAGAGGGCAGTGCTACTACAACGCCGGAAAAGG[G>A]AAAATATGTCAGGTAGGTAAAAAGGACCTACACTAAATTAAAATTCGTGTGATTGAGAGA-3'
Protein context (NP_891847.1, residues 172-192): RAVLLQRRKR[Glu182Lys]NMSDGDTSAT